The following is an entry in ClinVar:

NM_002457.5(MUC2):c.12762C>T (p.Thr4254=)

Gene: MUC2 (mucin 2, oligomeric mucus/gel-forming; plus strand). Cytogenetic location: 11p15.5.
Variant type: single nucleotide variant.
Coding change: c.12762C>T on transcript NM_002457.5 (MANE Select); coding-DNA position 12762, C replaced by T.
Protein change: p.Thr4254=; no amino-acid change (threonine 4254 retained).
Molecular consequence: synonymous variant.
Genome position (GRCh38, 1-based): chr11:1,100,827, C>T. VCF-style: chr11-1100827-C-T. GRCh37 (hg19) VCF-style: chr11-1094735-C-T.
Identifiers: ClinVar variation 2641154 (VCV002641154.24), dbSNP rs369131915, ClinGen allele CA5800570.

ClinVar aggregate classification (germline): Likely benign (1 of 4 stars; one submission).

Allele frequency attached by ClinVar (database versions not stated): gnomAD exomes 0.00004; TOPMed 0.00007; gnomAD 0.00009; ExAC 0.00012; 1000 Genomes Project 0.00080; 1000 Genomes Project 30x 0.00109.

Submission:

CeGaT Center for Human Genetics Tuebingen
Classification: Likely benign. Last evaluated: 2022-03-01. Review status: criteria provided, single submitter. Criteria: CeGaT Center For Human Genetics Tuebingen Variant Classification Criteria Version 2. Collection method: clinical testing. Allele origin: germline. Affected: yes. Observed: 1 variant allele.
Comment: MUC2: BP4, BP7